The following is an entry in ClinVar:

NM_006231.4(POLE):c.2053C>T (p.Arg685Trp)

Gene: POLE (DNA polymerase epsilon, catalytic subunit; minus strand). Cytogenetic location: 12q24.33.
Variant type: single nucleotide variant.
Coding change: c.2053C>T on transcript NM_006231.4 (MANE Select); coding-DNA position 2053, C replaced by T.
Protein change: p.Arg685Trp; replaces arginine 685 with tryptophan.
Molecular consequence: missense variant.
Genome position (GRCh38, 1-based): chr12:132,668,476, G>A on the plus strand (C>T on the coding strand, the complement: POLE is on the minus strand). VCF-style: chr12-132668476-G-A. GRCh37 (hg19) VCF-style: chr12-133245062-G-A.
Other names: c.2053C>T (NM_006231.2); short protein forms R685W.
Identifiers: ClinVar variation 405614 (VCV000405614.43), dbSNP rs116326665, ClinGen allele CA6893696.

ClinVar aggregate classification (germline): Uncertain significance. Review status: criteria provided, multiple submitters, no conflicts (2 of 4 stars). 6 submissions from 6 submitters: Uncertain significance (5). 1 of the submissions does not count toward it. Last evaluated 2025-12-09.

Conditions:
Hereditary cancer-predisposing syndrome. Also called: Neoplastic Syndromes, Hereditary; Hereditary neoplastic syndrome; Tumor predisposition; Hereditary Cancer Syndrome. Identifiers: Orphanet 140162, MedGen C0027672, MeSH D009386, MONDO:0015356.
Polymerase proofreading-related adenomatous polyposis. Also called: Polymerase proofreading associated polyposis; Polymerase proofreading–associated polyposis (PPAP). Identifiers: Orphanet 447877, MedGen C5202613, MONDO:0018653.

Allele frequency attached by ClinVar (database versions not stated): gnomAD exomes 0.00002 and 0.00007; gnomAD 0.00004; TOPMed 0.00004; ExAC 0.00008.
gnomAD v4.1: 38 of 1,606,352 alleles (0.0024%); highest among the groups gnomAD compares: East Asian, 0.022%; no homozygotes.

Submissions (6):

Labcorp Genetics (formerly Invitae), Labcorp
Classification: Uncertain significance. Last evaluated: 2025-12-09. Review status: criteria provided, single submitter. Criteria: Invitae Variant Classification Sherloc (09022015). Collection method: clinical testing. Allele origin: germline.
Comment: This sequence change replaces arginine, which is basic and polar, with tryptophan, which is neutral and slightly polar, at codon 685 of the POLE protein (p.Arg685Trp). This variant is present in population databases (rs116326665, gnomAD 0.03%). This variant has not been reported in the literature in individuals affected with POLE-related conditions. ClinVar contains an entry for this variant (Variation ID: 405614). Invitae Evidence Modeling of protein sequence and biophysical properties (such as structural, functional, and spatial information, amino acid conservation, physicochemical variation, residue mobility, and thermodynamic stability) indicates that this missense variant is not expected to disrupt POLE protein function with a negative predictive value of 80%. In summary, the available evidence is currently insufficient to determine the role of this variant in disease. Therefore, it has been classified as a Variant of Uncertain Significance.

Ambry Genetics
Classification: Uncertain significance for Hereditary cancer-predisposing syndrome. Last evaluated: 2024-12-14. Review status: criteria provided, single submitter. Criteria: Ambry Variant Classification Scheme 2023. Collection method: clinical testing. Allele origin: germline.
Comment: The p.R685W variant (also known as c.2053C>T), located in coding exon 19 of the POLE gene, results from a C to T substitution at nucleotide position 2053. The arginine at codon 685 is replaced by tryptophan, an amino acid with dissimilar properties. This amino acid position is highly conserved in available vertebrate species. In addition, the in silico prediction for this alteration is inconclusive. Based on the available evidence, the clinical significance of this variant remains unclear.

GeneDx
Classification: Uncertain significance. Last evaluated: 2023-12-10. Review status: criteria provided, single submitter. Criteria: GeneDx Variant Classification Process June 2021. Collection method: clinical testing. Allele origin: germline. Affected: yes.
Comment: In silico analysis supports that this missense variant has a deleterious effect on protein structure/function; Has not been previously published as pathogenic or benign to our knowledge; This variant is associated with the following publications: (PMID: 20951805)

CeGaT Center for Human Genetics Tuebingen
Classification: Uncertain significance. Last evaluated: 2022-08-01. Review status: criteria provided, single submitter. Criteria: CeGaT Center For Human Genetics Tuebingen Variant Classification Criteria Version 2. Collection method: clinical testing. Allele origin: germline. Affected: yes. Observed: 1 variant allele.

Revvity Omics, Revvity
Classification: Uncertain significance. Last evaluated: 2019-10-08. Review status: criteria provided, single submitter. Criteria: ACMG Guidelines, 2015. Collection method: clinical testing. Allele origin: germline.

Department of Pathology and Laboratory Medicine, Sinai Health System
Classification: Uncertain significance for Polymerase proofreading-related adenomatous polyposis. Review status: no assertion criteria provided. Collection method: clinical testing. Allele origin: unknown. Affected: yes. Study: The Canadian Open Genetics Repository (COGR). Not counted in ClinVar's aggregate classification.
Comment: The POLE p.Arg685Trp variant was not identified in the literature. The variant was identified in dbSNP (ID: rs116326665) as "With Uncertain significance allele", and in ClinVar (classified as uncertain significance by Invitae). The variant was identified in control databases in 18 of 269702 chromosomes at a frequency of 0.00007 (Genome Aggregation Database Feb 27, 2017). The variant was observed in the following populations: African in 1 of 23964 chromosomes (freq: 0.00004), European in 2 of 123376 chromosomes (freq: 0.00002), East Asian in 6 of 18674 chromosomes (freq: 0.0003), and South Asian in 9 of 29240 chromosomes (freq: 0.0003); it was not observed in the Other, Latino, Ashkenazi Jewish, and Finnish, populations. The p.Arg685 residue is conserved in mammals but not in more distantly related organisms, and four out of five computational analyses (PolyPhen-2, SIFT, AlignGVGD, BLOSUM, MutationTaster) suggest that the variant may impact the protein; however, this information is not predictive enough to assume pathogenicity. The variant occurs outside of the splicing consensus sequence and in silico or computational prediction software programs (SpliceSiteFinder, MaxEntScan, NNSPLICE, GeneSplicer) do not predict a difference in splicing. In summary, based on the above information the clinical significance of this variant cannot be determined with certainty at this time. This variant is classified as a variant of uncertain significance.